The following is an entry in ClinVar:

NM_020822.3(KCNT1):c.825C>G (p.Phe275Leu)

Gene: KCNT1 (potassium sodium-activated channel subfamily T member 1; plus strand). Cytogenetic location: 9q34.3.
Variant type: single nucleotide variant.
Coding change: c.825C>G on transcript NM_020822.3 (MANE Select); coding-DNA position 825, C replaced by G.
Protein change: p.Phe275Leu; replaces phenylalanine 275 with leucine.
Molecular consequence: missense variant.
Genome position (GRCh38, 1-based): chr9:135,758,479, C>G. VCF-style: chr9-135758479-C-G. GRCh37 (hg19) VCF-style: chr9-138650325-C-G.
Other names: c.681C>G, p.Phe227Leu (NM_001272003.2); short protein forms F227L, F275L.
Identifiers: ClinVar variation 1719220 (VCV001719220.6), dbSNP rs558348038, ClinGen allele CA375498258.
Genomic context (GRCh38, chr9:135,758,479, plus strand): 5'-CTTCCACCGTGCCATCCTGCGGACACAGTCAGCCATGTTCAACCAGGTCCTCATCCTCTT[C>G]TGCACCCTGCTGTGCCTCGTTTTCACGGGGTGAGTGCCGGCCGTCAGTGTGAGCACCCCA-3'
Protein context (NP_065873.2, residues 265-285): SAMFNQVLIL[Phe275Leu]CTLLCLVFTG

ClinVar aggregate classification (germline): Uncertain significance (1 of 4 stars; one submission).

Conditions:
Developmental and epileptic encephalopathy, 14 (DEE14). Also called: Early infantile epileptic encephalopathy 14. Identifiers: Orphanet 293181, MedGen C3554195, MONDO:0013989, OMIM 614959.
Autosomal dominant nocturnal frontal lobe epilepsy 5. Also called: KCNT1-Related Epilepsy; Epilepsy, nocturnal frontal lobe, 5; CILIARY DYSKINESIA, PRIMARY, 28, WITHOUT SITUS INVERSUS; CILIARY DYSKINESIA, PRIMARY, 28, WITH SITUS INVERSUS. Identifiers: Orphanet 98784, MedGen C3554306, MONDO:0014002, OMIM 615005.

gnomAD v4.1: 2 of 1,613,734 alleles (0.00012%); highest among the groups gnomAD compares: Non-Finnish European, 0.00017%; no homozygotes.

Submission:

Labcorp Genetics (formerly Invitae), Labcorp
Classification: Uncertain significance for Autosomal dominant nocturnal frontal lobe epilepsy 5; Developmental and epileptic encephalopathy, 14. Last evaluated: 2023-08-27. Review status: criteria provided, single submitter. Criteria: Invitae Variant Classification Sherloc (09022015). Collection method: clinical testing. Allele origin: germline.
Comment: In summary, the available evidence is currently insufficient to determine the role of this variant in disease. Therefore, it has been classified as a Variant of Uncertain Significance. Advanced modeling of protein sequence and biophysical properties (such as structural, functional, and spatial information, amino acid conservation, physicochemical variation, residue mobility, and thermodynamic stability) performed at Invitae indicates that this missense variant is not expected to disrupt KCNT1 protein function. ClinVar contains an entry for this variant (Variation ID: 1719220). This variant has not been reported in the literature in individuals affected with KCNT1-related conditions. This variant is not present in population databases (gnomAD no frequency). This sequence change replaces phenylalanine, which is neutral and non-polar, with leucine, which is neutral and non-polar, at codon 275 of the KCNT1 protein (p.Phe275Leu).